The following is an entry in ClinVar:

ClinVar aggregate classification (germline): Uncertain significance (1 of 4 stars; one submission).

Conditions:
Hereditary cancer-predisposing syndrome. Also called: Neoplastic Syndromes, Hereditary; Tumor predisposition; Hereditary neoplastic syndrome; Hereditary Cancer Syndrome. Identifiers: Orphanet 140162, MedGen C0027672, MeSH D009386, MONDO:0015356.

Submission:

Ambry Genetics
Classification: Uncertain significance for Hereditary cancer-predisposing syndrome. Last evaluated: 2026-07-07. Review status: criteria provided, single submitter. Criteria: Ambry Variant Classification Scheme 2023. Collection method: clinical testing. Allele origin: germline.
Comment: The p.H121D variant (also known as c.361C>G), located in coding exon 2 of the PHOX2B gene, results from a C to G substitution at nucleotide position 361. The histidine at codon 121 is replaced by aspartic acid, an amino acid with similar properties. This amino acid position is conserved. In addition, this alteration is predicted to be deleterious by in silico analysis. Based on the available evidence, the clinical significance of this variant remains unclear.

NM_003924.4(PHOX2B):c.361C>G (p.His121Asp)

Gene: PHOX2B (paired like homeobox 2B; minus strand). Cytogenetic location: 4p13.
Variant type: single nucleotide variant.
Coding change: c.361C>G on transcript NM_003924.4 (MANE Select); coding-DNA position 361, C replaced by G.
Protein change: p.His121Asp; replaces histidine 121 with aspartic acid.
Molecular consequence: missense variant.
Genome position (GRCh38, 1-based): chr4:41,747,417, G>C on the plus strand (C>G on the coding strand, the complement: PHOX2B is on the minus strand). VCF-style: chr4-41747417-G-C. GRCh37 (hg19) VCF-style: chr4-41749434-G-C.
Other names: short protein forms H121D.
Identifiers: ClinVar variation 5026608 (VCV005026608.1).